The following is an entry in ClinVar:

ClinVar aggregate classification (germline): Uncertain significance. Review status: criteria provided, multiple submitters, no conflicts (2 of 4 stars). 2 submissions from 2 submitters: Uncertain significance (2). Last evaluated 2025-11-24.

Conditions:
Inborn genetic diseases. Identifiers: MedGen C0950123, MeSH D030342.

Allele frequency attached by ClinVar (database versions not stated): gnomAD exomes below 0.00001; gnomAD 0.00003 and 0.00004; TOPMed 0.00005.
gnomAD v4.1: 10 of 1,594,998 alleles (0.00063%); highest among the groups gnomAD compares: Admixed American, 0.0087%; no homozygotes.

Submissions (2):

Ambry Genetics
Classification: Uncertain significance for Inborn genetic diseases. Last evaluated: 2025-11-24. Review status: criteria provided, single submitter. Criteria: Ambry Variant Classification Scheme 2023. Collection method: clinical testing. Allele origin: germline.
Comment: The c.427A>G (p.I143V) alteration is located in exon 5 (coding exon 5) of the KIF11 gene. This alteration results from a A to G substitution at nucleotide position 427, causing the isoleucine (I) at amino acid position 143 to be replaced by a valine (V). Based on data from gnomAD, the G allele has an overall frequency of 0.003% (1/31388) total alleles studied. The highest observed frequency was <0.001% (/) of alleles. Based on insufficient or conflicting evidence, the clinical significance of this alteration remains unclear.

Labcorp Genetics (formerly Invitae), Labcorp
Classification: Uncertain significance. Last evaluated: 2022-07-19. Review status: criteria provided, single submitter. Criteria: Invitae Variant Classification Sherloc (09022015). Collection method: clinical testing. Allele origin: germline.
Comment: ClinVar contains an entry for this variant (Variation ID: 1402111). In summary, the available evidence is currently insufficient to determine the role of this variant in disease. Therefore, it has been classified as a Variant of Uncertain Significance. Algorithms developed to predict the effect of sequence changes on RNA splicing suggest that this variant may create or strengthen a splice site. Algorithms developed to predict the effect of missense changes on protein structure and function are either unavailable or do not agree on the potential impact of this missense change (SIFT: "Deleterious"; PolyPhen-2: "Benign"; Align-GVGD: "Class C25"). This variant has not been reported in the literature in individuals affected with KIF11-related conditions. This variant is present in population databases (no rsID available, gnomAD no frequency). This sequence change replaces isoleucine, which is neutral and non-polar, with valine, which is neutral and non-polar, at codon 143 of the KIF11 protein (p.Ile143Val).

NM_004523.4(KIF11):c.427A>G (p.Ile143Val)

Gene: KIF11 (kinesin family member 11; plus strand). Cytogenetic location: 10q23.33.
Variant type: single nucleotide variant.
Coding change: c.427A>G on transcript NM_004523.4 (MANE Select); coding-DNA position 427, A replaced by G.
Protein change: p.Ile143Val; replaces isoleucine 143 with valine.
Molecular consequence: missense variant.
Genome position (GRCh38, 1-based): chr10:92,609,059, A>G. VCF-style: chr10-92609059-A-G. GRCh37 (hg19) VCF-style: chr10-94368816-A-G.
Other names: c.427A>G (NM_004523.3); short protein forms I143V.
Identifiers: ClinVar variation 1402111 (VCV001402111.10), dbSNP rs995272207, ClinGen allele CA211495080.
Genomic context (GRCh38, chr10:92,609,059, plus strand): 5'-TAGTCCTTATTATAATTTCAGGATCCCTTGGCTGGTATAATTCCACGTACCCTTCATCAA[A>G]TTTTTGAGAAACTTACTGATAATGGTACTGAATTTTCAGTCAAAGTGTCTCTGTTGGAGA-3'
Protein context (NP_004514.2, residues 133-153): AGIIPRTLHQ[Ile143Val]FEKLTDNGTE